The following is an entry in ClinVar:

NM_001127453.2(GSDME):c.1183+1G>T

Gene: GSDME (gasdermin E; minus strand). Cytogenetic location: 7p15.3.
Variant type: single nucleotide variant.
Coding change: c.1183+1G>T on transcript NM_001127453.2 (MANE Select); the canonical splice donor site of the intron after coding-DNA position 1183, G replaced by T.
Molecular consequence: splice donor variant.
Genome position (GRCh38, 1-based): chr7:24,706,183, C>A on the plus strand (G>T on the coding strand, the complement: GSDME is on the minus strand). VCF-style: chr7-24706183-C-A. GRCh37 (hg19) VCF-style: chr7-24745802-C-A.
Other names: c.691+1G>T (NM_001127454.2); c.1183+1G>T (NM_004403.3).
Identifiers: ClinVar variation 3651364 (VCV003651364.2).

ClinVar aggregate classification (germline): Pathogenic (1 of 4 stars; one submission).

Submission:

Labcorp Genetics (formerly Invitae), Labcorp
Classification: Pathogenic. Last evaluated: 2024-04-27. Review status: criteria provided, single submitter. Criteria: Invitae Variant Classification Sherloc (09022015). Collection method: clinical testing. Allele origin: germline.
Comment: This sequence change affects a donor splice site in intron 8 of the DFNA5 gene. It is expected to disrupt RNA splicing. Variants that disrupt the donor or acceptor splice site typically lead to a loss of protein function (PMID: 16199547), however the current clinical and genetic evidence is not sufficient to establish whether loss-of-function variants in DFNA5 cause disease. This variant is not present in population databases (gnomAD no frequency). Disruption of this splice site has been observed in individuals with deafness (PMID: 35864542; Invitae). It has also been observed to segregate with disease in related individuals. Algorithms developed to predict the effect of sequence changes on RNA splicing suggest that this variant may disrupt the consensus splice site. For these reasons, this variant has been classified as Pathogenic.

Literature cited by the submitters: PubMed 16199547; PubMed 35864542.